The following is an entry in ClinVar:

NM_152564.5(VPS13B):c.9331-18_9331-3dup

Gene: VPS13B (vacuolar protein sorting 13 homolog B; plus strand). Cytogenetic location: 8q22.2.
Variant type: Duplication.
Coding change: c.9331-18_9331-3dup on transcript NM_152564.5 (MANE Select); 18 bases into the intron before coding-DNA position 9331 through 3 bases into the intron before coding-DNA position 9331, 16 bases duplicated (TTTTTTTTTTTTTTTT).
Molecular consequence: intron variant.
Genome position (GRCh38, 1-based): chr8:99,832,351-99,832,366, TTTTTTTTTTTTTTTT duplicated; duplicating any 16 consecutive bases within chr8:99,832,342-99,832,366 gives the same sequence; the c. name uses the placement nearest the transcript's 3' end. VCF-style (leftmost placement, unchanged base first): chr8-99832341-A-ATTTTTTTTTTTTTTTT. GRCh37 (hg19) VCF-style: chr8-100844569-A-ATTTTTTTTTTTTTTTT.
Other names: c.9406-18_9406-3dup (NM_017890.5).
Identifiers: ClinVar variation 3044743 (VCV003044743.2), dbSNP rs370235149, ClinGen allele CA1117121037.

ClinVar aggregate classification (germline): Likely benign (0 of 4 stars; one submission).

Conditions:
VPS13B-related disorder. Also called: VPS13B-related condition.

Submission:

PreventionGenetics, part of Exact Sciences
Classification: Likely benign for VPS13B-related condition. Last evaluated: 2021-10-27. Review status: no assertion criteria provided. Collection method: clinical testing. Allele origin: germline.
Comment: This variant is classified as likely benign based on ACMG/AMP sequence variant interpretation guidelines (Richards et al. 2015 PMID: 25741868, with internal and published modifications).